The following is an entry in ClinVar:

ClinVar aggregate classification (germline): Uncertain significance (1 of 4 stars; one submission).

Allele frequency attached by ClinVar (database versions not stated): gnomAD exomes below 0.00001 and 0.00001; gnomAD 0.00001; TOPMed 0.00003.
gnomAD v4.1: 7 of 1,613,642 alleles (0.00043%); highest among the groups gnomAD compares: Admixed American, 0.0033%; no homozygotes.

Submission:

Labcorp Genetics (formerly Invitae), Labcorp
Classification: Uncertain significance. Last evaluated: 2022-08-16. Review status: criteria provided, single submitter. Criteria: Invitae Variant Classification Sherloc (09022015). Collection method: clinical testing. Allele origin: germline.
Comment: This sequence change replaces glycine, which is neutral and non-polar, with aspartic acid, which is acidic and polar, at codon 283 of the PLAA protein (p.Gly283Asp). This variant is present in population databases (no rsID available, gnomAD 0.003%). This variant has not been reported in the literature in individuals affected with PLAA-related conditions. ClinVar contains an entry for this variant (Variation ID: 1513272). Algorithms developed to predict the effect of missense changes on protein structure and function (SIFT, PolyPhen-2, Align-GVGD) all suggest that this variant is likely to be tolerated. In summary, the available evidence is currently insufficient to determine the role of this variant in disease. Therefore, it has been classified as a Variant of Uncertain Significance.

NM_001031689.3(PLAA):c.848G>A (p.Gly283Asp)

Gene: PLAA (phospholipase A2 activating protein; minus strand). Cytogenetic location: 9p21.2.
Variant type: single nucleotide variant.
Coding change: c.848G>A on transcript NM_001031689.3 (MANE Select); coding-DNA position 848, G replaced by A.
Protein change: p.Gly283Asp; replaces glycine 283 with aspartic acid.
Molecular consequence: missense variant.
Genome position (GRCh38, 1-based): chr9:26,925,846, C>T on the plus strand (G>A on the coding strand, the complement: PLAA is on the minus strand). VCF-style: chr9-26925846-C-T. GRCh37 (hg19) VCF-style: chr9-26925844-C-T.
Other names: c.848G>A, p.Gly283Asp (NM_001321546.2); short protein forms G283D.
Identifiers: ClinVar variation 1513272 (VCV001513272.3), dbSNP rs1344689219, ClinGen allele CA373133158.